The following is an entry in ClinVar:

NM_000135.4(FANCA):c.884T>C (p.Val295Ala)

Gene: FANCA (FA complementation group A; minus strand). Cytogenetic location: 16q24.3.
Variant type: single nucleotide variant.
Coding change: c.884T>C on transcript NM_000135.4 (MANE Select); coding-DNA position 884, T replaced by C.
Protein change: p.Val295Ala; replaces valine 295 with alanine.
Molecular consequence: missense variant.
Genome position (GRCh38, 1-based): chr16:89,799,175, A>G on the plus strand (T>C on the coding strand, the complement: FANCA is on the minus strand). VCF-style: chr16-89799175-A-G. GRCh37 (hg19) VCF-style: chr16-89865583-A-G.
Other names: c.884T>C, p.Val295Ala (NM_001018112.3, NM_001286167.3); c.788T>C, p.Val263Ala (NM_001351830.2); short protein forms V263A, V295A.
Identifiers: ClinVar variation 3848303 (VCV003848303.1).

ClinVar aggregate classification (germline): Uncertain significance (1 of 4 stars; one submission).

Conditions:
Inborn genetic diseases. Identifiers: MedGen C0950123, MeSH D030342.

gnomAD v4.1: 1 of 1,612,142 alleles (0.000062%); highest among the groups gnomAD compares: Non-Finnish European, 0.000085%; no homozygotes.

Submission:

Ambry Genetics
Classification: Uncertain significance for Inborn genetic diseases. Last evaluated: 2025-03-10. Review status: criteria provided, single submitter. Criteria: Ambry Variant Classification Scheme 2023. Collection method: clinical testing. Allele origin: germline.
Comment: The p.V295A variant (also known as c.884T>C), located in coding exon 10 of the FANCA gene, results from a T to C substitution at nucleotide position 884. The valine at codon 295 is replaced by alanine, an amino acid with similar properties. This amino acid position is conserved. In addition, this alteration is predicted to be tolerated by in silico analysis. Based on the available evidence, the clinical significance of this variant remains unclear.